The following is an entry in ClinVar:

NM_006206.6(PDGFRA):c.3206_3211delinsGCATCA (p.Asp1069_Asp1071delinsGlyIleAsn)

Gene: PDGFRA (platelet derived growth factor receptor alpha; plus strand). Cytogenetic location: 4q12.
Variant type: Indel.
Coding change: c.3206_3211delinsGCATCA on transcript NM_006206.6 (MANE Select); coding-DNA positions 3206 to 3211, ACATCG replaced by GCATCA.
Protein change: p.Asp1069_Asp1071delinsGlyIleAsn.
Molecular consequence: missense variant.
Genome position (GRCh38, 1-based): chr4:54,295,208-54,295,213, ACATCG replaced by GCATCA. VCF-style: chr4-54295208-ACATCG-GCATCA. GRCh37 (hg19) VCF-style: chr4-55161375-ACATCG-GCATCA.
Other names: c.3281_3286delinsGCATCA, p.Asp1094_Asp1096delinsGlyIleAsn (NM_001347828.2); c.3206_3211delinsGCATCA, p.Asp1069_Asp1071delinsGlyIleAsn (NM_001347829.2); c.3245_3250delinsGCATCA, p.Asp1082_Asp1084delinsGlyIleAsn (NM_001347830.2); c.3206_3211delACATCGinsGCATCA, p.Asp1069_Asp1071delinsGlyIleAsn (NM_006206.4).
Identifiers: ClinVar variation 2578245 (VCV002578245.1), dbSNP rs2475579053, ClinGen allele CA2580617617.

ClinVar aggregate classification (germline): Uncertain significance (1 of 4 stars; one submission).

Submission:

GeneDx
Classification: Uncertain significance. Last evaluated: 2023-02-28. Review status: criteria provided, single submitter. Criteria: GeneDx Variant Classification Process June 2021. Collection method: clinical testing. Allele origin: germline. Affected: yes.
Comment: Not observed at significant frequency in large population cohorts (gnomAD); In-frame deletion of 3 amino acids and insertion of 3 amino acids in a non-repeat region; In silico analysis supports a deleterious effect on protein structure/function; Has not been previously published as pathogenic or benign to our knowledge